The following is an entry in ClinVar:

ClinVar aggregate classification (germline): Uncertain significance. Review status: criteria provided, multiple submitters, no conflicts (2 of 4 stars). 2 submissions from 2 submitters: Uncertain significance (2). Last evaluated 2025-02-26.

Conditions:
Hereditary cancer-predisposing syndrome. Also called: Neoplastic Syndromes, Hereditary; Tumor predisposition; Hereditary Cancer Syndrome; Hereditary neoplastic syndrome. Identifiers: Orphanet 140162, MedGen C0027672, MeSH D009386, MONDO:0015356.

Allele frequency attached by ClinVar (database versions not stated): TOPMed below 0.00001; gnomAD 0.00001.

Submissions (2):

Ambry Genetics
Classification: Uncertain significance for Hereditary cancer-predisposing syndrome. Last evaluated: 2025-02-26. Review status: criteria provided, single submitter. Criteria: Ambry Variant Classification Scheme 2023. Collection method: clinical testing. Allele origin: germline.
Comment: The p.H64Y variant (also known as c.190C>T), located in coding exon 1 of the HOXB13 gene, results from a C to T substitution at nucleotide position 190. The histidine at codon 64 is replaced by tyrosine, an amino acid with similar properties. This amino acid position is conserved. In addition, this alteration is predicted to be tolerated by in silico analysis. Since supporting evidence is limited at this time, the clinical significance of this alteration remains unclear.

Labcorp Genetics (formerly Invitae), Labcorp
Classification: Uncertain significance. Last evaluated: 2022-03-29. Review status: criteria provided, single submitter. Criteria: Invitae Variant Classification Sherloc (09022015). Collection method: clinical testing. Allele origin: germline.
Comment: This sequence change replaces histidine, which is basic and polar, with tyrosine, which is neutral and polar, at codon 64 of the HOXB13 protein (p.His64Tyr). This variant is not present in population databases (gnomAD no frequency). This variant has not been reported in the literature in individuals affected with HOXB13-related conditions. Algorithms developed to predict the effect of missense changes on protein structure and function are either unavailable or do not agree on the potential impact of this missense change (SIFT: "Tolerated"; PolyPhen-2: "Possibly Damaging"; Align-GVGD: "Class C0"). In summary, the available evidence is currently insufficient to determine the role of this variant in disease. Therefore, it has been classified as a Variant of Uncertain Significance.

NM_006361.6(HOXB13):c.190C>T (p.His64Tyr)

Gene: HOXB13 (homeobox B13; minus strand). Cytogenetic location: 17q21.32.
Variant type: single nucleotide variant.
Coding change: c.190C>T on transcript NM_006361.6 (MANE Select); coding-DNA position 190, C replaced by T.
Protein change: p.His64Tyr; replaces histidine 64 with tyrosine.
Molecular consequence: missense variant.
Genome position (GRCh38, 1-based): chr17:48,728,404, G>A on the plus strand (C>T on the coding strand, the complement: HOXB13 is on the minus strand). VCF-style: chr17-48728404-G-A. GRCh37 (hg19) VCF-style: chr17-46805766-G-A.
Other names: short protein forms H64Y.
Identifiers: ClinVar variation 1782476 (VCV001782476.8), dbSNP rs2038238842, ClinGen allele CA400107974.